The following is an entry in ClinVar:

ClinVar aggregate classification (germline): Benign (1 of 4 stars; one submission).

Conditions:
Pheochromocytoma/paraganglioma syndrome 5. Also called: Paragangliomas 5; SDHA-Related Hereditary Paraganglioma-Pheochromocytoma Syndrome. Identifiers: Orphanet 29072, MedGen C3279992, MONDO:0013602, OMIM 614165.

Submission:

Myriad Genetics, Inc.
Classification: Benign for Pheochromocytoma/paraganglioma syndrome 5. Last evaluated: 2025-03-03. Review status: criteria provided, single submitter. Criteria: Myriad Autosomal Dominant, Autosomal Recessive and X-Linked Classification Criteria (2023). Collection method: clinical testing. Allele origin: unknown.
Comment: This variant is considered benign. This variant is a silent/synonymous amino acid change and it is not expected to impact splicing.

NM_004168.4(SDHA):c.609C>G (p.Thr203=)

Gene: SDHA (succinate dehydrogenase complex flavoprotein subunit A; plus strand). Cytogenetic location: 5p15.33.
Variant type: single nucleotide variant.
Coding change: c.609C>G on transcript NM_004168.4 (MANE Select); coding-DNA position 609, C replaced by G.
Protein change: p.Thr203=; no amino-acid change (threonine 203 retained).
Molecular consequence: synonymous variant.
Genome position (GRCh38, 1-based): chr5:226,035, C>G. VCF-style: chr5-226035-C-G. GRCh37 (hg19) VCF-style: chr5-226150-C-G.
Other names: c.465C>G, p.Thr155= (NM_001294332.2); c.609C>G, p.Thr203= (NM_001330758.2).
Identifiers: ClinVar variation 3904355 (VCV003904355.1).